The following is an entry in ClinVar:

ClinVar aggregate classification (germline): Uncertain significance (1 of 4 stars; one submission).

Conditions:
Encephalopathy, acute, infection-induced (herpes-specific), susceptibility to, 1. Also called: Herpes simplex encephalitis, susceptibility to, 1. Identifiers: Orphanet 1930, MedGen C2750180, MONDO:0024563, OMIM 610551.

Allele frequency attached by ClinVar (database versions not stated): gnomAD exomes below 0.00001; TOPMed 0.00001.
gnomAD v4.1: 3 of 1,598,688 alleles (0.00019%); highest among the groups gnomAD compares: Non-Finnish European, 0.00026%; no homozygotes.

Submission:

Labcorp Genetics (formerly Invitae), Labcorp
Classification: Uncertain significance for Encephalopathy, acute, infection-induced (herpes-specific), susceptibility to, 1. Last evaluated: 2024-09-11. Review status: criteria provided, single submitter. Criteria: Invitae Variant Classification Sherloc (09022015). Collection method: clinical testing. Allele origin: germline.
Comment: This sequence change replaces threonine, which is neutral and polar, with serine, which is neutral and polar, at codon 666 of the TLR3 protein (p.Thr666Ser). This variant is not present in population databases (gnomAD no frequency). This variant has not been reported in the literature in individuals affected with TLR3-related conditions. ClinVar contains an entry for this variant (Variation ID: 1934370). An algorithm developed to predict the effect of missense changes on protein structure and function (PolyPhen-2) suggests that this variant is likely to be tolerated. In summary, the available evidence is currently insufficient to determine the role of this variant in disease. Therefore, it has been classified as a Variant of Uncertain Significance.

NM_003265.3(TLR3):c.1997C>G (p.Thr666Ser)

Gene: TLR3 (toll like receptor 3; plus strand). Cytogenetic location: 4q35.1.
Variant type: single nucleotide variant.
Coding change: c.1997C>G on transcript NM_003265.3 (MANE Select); coding-DNA position 1997, C replaced by G.
Protein change: p.Thr666Ser; replaces threonine 666 with serine.
Molecular consequence: missense variant.
Genome position (GRCh38, 1-based): chr4:186,083,683, C>G. VCF-style: chr4-186083683-C-G. GRCh37 (hg19) VCF-style: chr4-187004837-C-G.
Other names: short protein forms T666S.
Identifiers: ClinVar variation 1934370 (VCV001934370.5), dbSNP rs1369271006, ClinGen allele CA358934717.